The following is an entry in ClinVar:

NM_152594.3(SPRED1):c.1232C>T (p.Ser411Phe)

Gene: SPRED1 (sprouty related EVH1 domain containing 1; plus strand). Cytogenetic location: 15q14.
Variant type: single nucleotide variant.
Coding change: c.1232C>T on transcript NM_152594.3 (MANE Select); coding-DNA position 1232, C replaced by T.
Protein change: p.Ser411Phe; replaces serine 411 with phenylalanine.
Molecular consequence: missense variant.
Genome position (GRCh38, 1-based): chr15:38,351,561, C>T. VCF-style: chr15-38351561-C-T. GRCh37 (hg19) VCF-style: chr15-38643762-C-T.
Other names: c.1232C>T (NM_152594.2); short protein forms S411F.
Identifiers: ClinVar variation 2995368 (VCV002995368.4), dbSNP rs2542744378, ClinGen allele CA391934643.

ClinVar aggregate classification (germline): Uncertain significance. Review status: criteria provided, multiple submitters, no conflicts (2 of 4 stars). 2 submissions from 2 submitters: Uncertain significance (2). Last evaluated 2026-02-16.

Conditions:
Cardiovascular phenotype. Identifiers: MedGen CN230736.
Legius syndrome. Identifiers: Orphanet 137605, MedGen C1969623, MONDO:0012669, OMIM 611431. Disease mechanism: loss of function.

Submissions (2):

Ambry Genetics
Classification: Uncertain significance for Cardiovascular phenotype. Last evaluated: 2026-02-16. Review status: criteria provided, single submitter. Criteria: Ambry Variant Classification Scheme 2023. Collection method: clinical testing. Allele origin: germline.
Comment: The p.S411F variant (also known as c.1232C>T), located in coding exon 7 of the SPRED1 gene, results from a C to T substitution at nucleotide position 1232. The serine at codon 411 is replaced by phenylalanine, an amino acid with highly dissimilar properties. This amino acid position is conserved. In addition, this alteration is predicted to be deleterious by in silico analysis. Based on the available evidence, the clinical significance of this variant remains unclear.

Labcorp Genetics (formerly Invitae), Labcorp
Classification: Uncertain significance for Legius syndrome. Last evaluated: 2023-03-08. Review status: criteria provided, single submitter. Criteria: Invitae Variant Classification Sherloc (09022015). Collection method: clinical testing. Allele origin: germline.
Comment: This sequence change replaces serine, which is neutral and polar, with phenylalanine, which is neutral and non-polar, at codon 411 of the SPRED1 protein (p.Ser411Phe). This variant is not present in population databases (gnomAD no frequency). This variant has not been reported in the literature in individuals affected with SPRED1-related conditions. Advanced modeling of protein sequence and biophysical properties (such as structural, functional, and spatial information, amino acid conservation, physicochemical variation, residue mobility, and thermodynamic stability) performed at Invitae indicates that this missense variant is expected to disrupt SPRED1 protein function. In summary, the available evidence is currently insufficient to determine the role of this variant in disease. Therefore, it has been classified as a Variant of Uncertain Significance.